The following is an entry in ClinVar:

NM_007103.4(NDUFV1):c.929G>T (p.Gly310Val)

Gene: NDUFV1 (NADH:ubiquinone oxidoreductase core subunit V1; plus strand). Cytogenetic location: 11q13.2.
Variant type: single nucleotide variant.
Coding change: c.929G>T on transcript NM_007103.4 (MANE Select); coding-DNA position 929, G replaced by T.
Protein change: p.Gly310Val; replaces glycine 310 with valine.
Molecular consequence: missense variant.
Genome position (GRCh38, 1-based): chr11:67,611,418, G>T. VCF-style: chr11-67611418-G-T. GRCh37 (hg19) VCF-style: chr11-67378889-G-T.
Other names: c.902G>T, p.Gly301Val (NM_001166102.2); short protein forms G310V, G301V.
Identifiers: ClinVar variation 880211 (VCV000880211.4), dbSNP rs1432435322, ClinGen allele CA381540484.

ClinVar aggregate classification (germline): Uncertain significance. Review status: criteria provided, single submitter (1 of 4 stars). 2 submissions from 1 submitter: Uncertain significance (2). Last evaluated 2017-08-16.

Conditions:
Leigh syndrome (NULS). Also called: Leigh Disease; Subacute necrotizing encephalopathy; Necrotizing encephalopathy infantile subacute of Leigh; LEIGH SYNDROME, NUCLEAR; Leigh's syndrome; Leigh's necrotizing encephalopathy. Identifiers: Orphanet 506, MedGen C2931891, MONDO:0009723, OMIM 256000.
Mitochondrial complex I deficiency, nuclear type 1. Also called: NADH-COENZYME Q REDUCTASE DEFICIENCY; MITOCHONDRIAL NADH DEHYDROGENASE COMPONENT OF COMPLEX I, DEFICIENCY OF. Identifiers: MedGen C6022305, MONDO:0100224, OMIM 252010.

Allele frequency attached by ClinVar (database versions not stated): gnomAD exomes below 0.00001.

Submissions (2):

Illumina Laboratory Services, Illumina
Classification: Uncertain significance for Leigh syndrome. Last evaluated: 2017-08-16. Review status: criteria provided, single submitter. Criteria: ICSL Variant Classification Criteria 13 December 2019. Collection method: clinical testing. Allele origin: germline.

Illumina Laboratory Services, Illumina
Classification: Uncertain significance for Mitochondrial complex I deficiency, nuclear type 1. Last evaluated: 2017-08-16. Review status: criteria provided, single submitter. Criteria: ICSL Variant Classification Criteria 13 December 2019. Collection method: clinical testing. Allele origin: germline.
Comment: This variant was observed as part of a predisposition screen in an ostensibly healthy population. A literature search was performed for the gene, cDNA change, and amino acid change (where applicable). Publications were found based on this search. However, the evidence from the literature, in combination with allele frequency data from public databases where available, was not sufficient to rule this variant in or out of causing disease. Therefore, this variant is classified as a variant of unknown significance.

Literature cited by the submitters: PubMed 24642831.